The following is an entry in ClinVar:

GRCh38/hg38 6p21.33(chr6:31667270-31672531)x1

Genes: CSNK2B (casein kinase 2 beta; plus strand), LY6G5B (lymphocyte antigen 6 family member G5B; plus strand). Cytogenetic location: 6p21.33.
Variant type: copy number loss.
Change: copy number 1 (one copy instead of two) of chr6:31,667,270-31,672,531 (5.3 kb, GRCh38 coordinates, 1-based), cytogenetic band 6p21.33.
Identifiers: ClinVar variation 4886800 (VCV004886800.1).

ClinVar aggregate classification (germline): Likely pathogenic (0 of 4 stars; one submission).

Submission:

Diagnostics Centre, Carl Von Ossietzky University Oldenburg
Classification: Likely pathogenic. Last evaluated: 2025-12-16. Review status: no assertion criteria provided. Collection method: clinical testing. Allele origin: germline. Affected: yes. Observed: 1 variant allele.
Comment: The identified alteration is an approximately 5.3 kb heterozygous deletion in the chromosomal region 6p21.33. This deletion affects exons 3 to 7 of the CSNK2B gene, although the exact breakpoint positions could not be determined. Based on current predictions, the altered gene product is expected to undergo nonsense-mediated mRNA decay (NMD). Haploinsufficiency is a recognized disease mechanism for CSNK2B. The CSNK2B gene encodes the beta subunit of casein kinase II (CK2). Experimental studies suggest that CK2 may play a role in dopamine signaling. Pathogenic variants in the CSNK2B gene are associated with autosomal dominant Poirier-Bienvenu neurodevelopmental syndrome. This disorder is characterized primarily by global developmental delay accompanied by early-onset epilepsy of variable severity. Additional clinical features may include behavioral abnormalities, hypotonia, and variable dental and facial anomalies. Most pathogenic variants in the gene arise de novo, although inherited variants have also been reported (PMID: 37717460). In summary, this deletion is classified as Likely pathogenic.

Literature cited by the submitters: PubMed 37717460.